The following is an entry in ClinVar:

NM_001458.5(FLNC):c.5314G>A (p.Val1772Met)

Genes: FLNC (filamin C; plus strand), FLNC-AS1 (FLNC antisense RNA 1; minus strand). Cytogenetic location: 7q32.1.
Variant type: single nucleotide variant.
Coding change: c.5314G>A on transcript NM_001458.5 (MANE Select); coding-DNA position 5314, G replaced by A.
Protein change: p.Val1772Met; replaces valine 1772 with methionine.
Molecular consequence: missense variant. On other transcripts: non-coding transcript variant (1).
Genome position (GRCh38, 1-based): chr7:128,850,399, G>A. VCF-style: chr7-128850399-G-A. GRCh37 (hg19) VCF-style: chr7-128490453-G-A.
Other names: c.5215G>A, p.Val1739Met (NM_001127487.2); short protein forms V1739M, V1772M.
Identifiers: ClinVar variation 3754875 (VCV003754875.2).
Genomic context (GRCh38, chr7:128,850,399, plus strand): 5'-CTGGGCCTTCCCCAGTCACTGACTGTTCCCTCTCACCTGCTGCAGGCCACAGAGGAGCCA[G>A]TGGTGCCTGTGGAGCCAATGGAGTCCATGCTGAGGCCCTTCAACCTGGTCATCCCCTTCG-3'
Protein context (NP_001449.3, residues 1762-1782): RPTHWATEEP[Val1772Met]VPVEPMESML

ClinVar aggregate classification (germline): Uncertain significance (1 of 4 stars; one submission).

Conditions:
Myofibrillar myopathy 5. Also called: Filaminopathy (type); FILAMINOPATHY, AUTOSOMAL DOMINANT. Identifiers: Orphanet 171445, MedGen C1836050, MONDO:0012289, OMIM 609524.
Distal myopathy with posterior leg and anterior hand involvement. Also called: WILLIAMS DISTAL MYOPATHY. Identifiers: Orphanet 63273, MedGen C3279722, MONDO:0013550, OMIM 614065.
Hypertrophic cardiomyopathy 26. Also called: Cardiomyopathy, familial hypertrophic, 26. Identifiers: Orphanet 75249, MedGen C4310749, MONDO:0014883, OMIM 617047.

Submission:

Labcorp Genetics (formerly Invitae), Labcorp
Classification: Uncertain significance for Distal myopathy with posterior leg and anterior hand involvement; Myofibrillar myopathy 5; Hypertrophic cardiomyopathy 26. Last evaluated: 2024-02-23. Review status: criteria provided, single submitter. Criteria: Invitae Variant Classification Sherloc (09022015). Collection method: clinical testing. Allele origin: germline.
Comment: This sequence change replaces valine, which is neutral and non-polar, with methionine, which is neutral and non-polar, at codon 1772 of the FLNC protein (p.Val1772Met). This variant is not present in population databases (gnomAD no frequency). This variant has not been reported in the literature in individuals affected with FLNC-related conditions. Advanced modeling of protein sequence and biophysical properties (such as structural, functional, and spatial information, amino acid conservation, physicochemical variation, residue mobility, and thermodynamic stability) has been performed at Invitae for this missense variant, however the output from this modeling did not meet the statistical confidence thresholds required to predict the impact of this variant on FLNC protein function. In summary, the available evidence is currently insufficient to determine the role of this variant in disease. Therefore, it has been classified as a Variant of Uncertain Significance.